The following is an entry in ClinVar:

NM_000059.4(BRCA2):c.521G>A (p.Arg174His)

Gene: BRCA2 (BRCA2 DNA repair associated; plus strand). Cytogenetic location: 13q13.1.
Variant type: single nucleotide variant.
Coding change: c.521G>A on transcript NM_000059.4 (MANE Select); coding-DNA position 521, G replaced by A.
Protein change: p.Arg174His; replaces arginine 174 with histidine.
Molecular consequence: missense variant.
Genome position (GRCh38, 1-based): chr13:32,326,503, G>A. VCF-style: chr13-32326503-G-A. GRCh37 (hg19) VCF-style: chr13-32900640-G-A.
Other names: 749G>A; short protein forms R174H.
Identifiers: ClinVar variation 51825 (VCV000051825.24), dbSNP rs80358747, ClinGen allele CA021758.

ClinVar aggregate classification (germline): Conflicting classifications of pathogenicity. Review status: criteria provided, conflicting classifications (1 of 4 stars). 10 submissions from 10 submitters: Uncertain significance (3); Likely benign (5). 2 of the submissions do not count toward it. Last evaluated 2026-02-16.

Conditions:
BRCA2-related disorder. Also called: BRCA2-related condition; BRCA2-related disorders. Identifiers: MedGen CN239275.
Hereditary cancer-predisposing syndrome. Also called: Hereditary Cancer Syndrome; Neoplastic Syndromes, Hereditary; Hereditary neoplastic syndrome; Tumor predisposition. Identifiers: Orphanet 140162, MedGen C0027672, MeSH D009386, MONDO:0015356.
Hereditary breast ovarian cancer syndrome. Also called: Hereditary breast and ovarian cancer syndrome; Breast and ovarian cancer; BRCA1- and BRCA2-Associated Hereditary Breast and Ovarian Cancer; Hereditary breast and/or ovarian cancer syndrome; Hereditary breast and ovarian cancer; Hereditary breast and ovarian cancer syndrome (HBOC). Identifiers: Orphanet 145, MedGen C0677776, MeSH D061325, MONDO:0003582. Disease mechanism: loss of function.
Breast-ovarian cancer, familial, susceptibility to, 2 (BROVCA2). Also called: BRCA2 Hereditary Breast and Ovarian Cancer. Identifiers: Orphanet 145, MedGen C2675520, MONDO:0012933, OMIM 612555. Disease mechanism: loss of function.

Allele frequency attached by ClinVar (database versions not stated): gnomAD 0.00001 and 0.00003; ExAC 0.00002; gnomAD exomes 0.00002; TOPMed 0.00003.

Submissions (10):

PreventionGenetics, part of Exact Sciences
Classification: Likely benign for BRCA2-related condition. Last evaluated: 2026-02-16. Review status: criteria provided, single submitter. Criteria: ACMG Guidelines, 2015. Collection method: clinical testing. Allele origin: germline.
Comment: This variant is classified as likely benign based on ACMG/AMP sequence variant interpretation guidelines (Richards et al. 2015 PMID: 25741868, with internal and published modifications).

Labcorp Genetics (formerly Invitae), Labcorp
Classification: Likely benign for Hereditary breast ovarian cancer syndrome. Last evaluated: 2025-11-03. Review status: criteria provided, single submitter. Criteria: Invitae Variant Classification Sherloc (09022015). Collection method: clinical testing. Allele origin: germline.

Molecular Diagnostics Laboratory, Catalan Institute of Oncology
Classification: Uncertain significance for Hereditary cancer-predisposing syndrome. Last evaluated: 2025-05-12. Review status: criteria provided, single submitter. Criteria: ClinGen BRCA1BRCA2 ACMG Specifications BRCA2 V1.0.0. Collection method: clinical testing. Allele origin: germline.
Comment: BP1_Strong c.521G>A, located in exon 7 of the BRCA2 gene, is predicted to result in the substitution of Arginine by Histidine at codon 174, p.(Arg174His). This position is outside a (potentially) clinically important functional domain and, moreover, the SpliceAI algorithm predicts no significant impact on splicing (BP1_strong). This variant is found in 4/268216 alleles at a frequency of 0.0015% in the gnomAD v2.1.1 database, non-cancer dataset. An experimental study based on PAXgene confirms that this alteration has not an impact on normal splicing (PMID 22505045). However, an in vitro minigene assay showed that this variant increased exon E07 skipping (19% vs 11% in the wt)(PMID 23983145). This variant has been reported in individuals affected with breast cancer (PMID 18284688). To our knowledge, multifactorial analysis have not been reported for this variant. In addition, it has been identified in the ClinVar (2x Uncertain Significance; 4x Likely benign), LOVD (2x NA, 3x VUS) and BRCA Exchange (not yet reviewed) databases. Based on the currently available information, c.521G>A is classified as an uncertain significance variant according to ClinGen-BRCA2 Guidelines version 1.

Quest Diagnostics Nichols Institute San Juan Capistrano
Classification: Uncertain significance. Last evaluated: 2024-05-06. Review status: criteria provided, single submitter. Criteria: Quest Diagnostics criteria. Collection method: clinical testing. Allele origin: unknown.
Comment: The BRCA2 c.521G>A (p.Arg174His) variant has been reported in the published literature in individuals with breast cancer (PMIDs: 37277882 (2023), 18284688 (2008), 15955690 (2005)), and in reportedly healthy individuals (PMIDs: 32467295 (2020), 33471991 (2021), see also LOVD). One study reported this variant caused partial splicing defect (PMID: 23983145 (2013)), but two other studies reported normal splicing (PMIDs: 22505045 (2012), 31143303 (2019)). The frequency of this variant in the general population, 0.000018 (5/282754 chromosomes (Genome Aggregation Database)), is uninformative in the assessment of its pathogenicity. Analysis of this variant using bioinformatics tools for the prediction of the effect of amino acid changes on protein structure and function yielded predictions that this variant is benign. Based on the available information, we are unable to determine the clinical significance of this variant.

Ambry Genetics
Classification: Likely benign for Hereditary cancer-predisposing syndrome. Last evaluated: 2023-12-12. Review status: criteria provided, single submitter. Criteria: Ambry Variant Classification Scheme 2023. Collection method: clinical testing. Allele origin: germline.

Sema4
Classification: Uncertain significance for Hereditary cancer-predisposing syndrome. Last evaluated: 2021-09-03. Review status: criteria provided, single submitter. Criteria: Sema4 Curation Guidelines. Collection method: curation. Allele origin: germline.
Comment: The BRCA2 c.521G>A (p.R174H) variant has been reported in heterozygosity in at least five individuals with breast cancer (PMID: 15955690, 18284688, 22505045, 31143303). One functional study demonstrated that the variant increases exon splicing in a mini-gene assay (PMID: 23983145); however, subsequent evaluations using patient cDNA showed no impact on splicing (PMID: 22505045, 31143303). It was observed in 1/10366 chromosomes of the Ashkenazi Jewish subpopulation in the large and broad cohorts of the Genome Aggregation Database (PMID: 32461654). The variant has been reported in ClinVar (Variation ID 51825). Functional studies have not been performed, and in silico predictions of the variant's effect on protein function are inconclusive. The evidence is insufficient to meet ACMG/AMP criteria for classifying the variant as benign or pathogenic. Thus, the clinical significance of this variant is currently uncertain.

GeneDx
Classification: Likely benign. Last evaluated: 2017-06-27. Review status: criteria provided, single submitter. Criteria: GeneDx Variant Classification (06012015). Collection method: clinical testing. Allele origin: germline. Affected: yes.
Comment: This variant is considered likely benign or benign based on one or more of the following criteria: it is a conservative change, it occurs at a poorly conserved position in the protein, it is predicted to be benign by multiple in silico algorithms, and/or has population frequency not consistent with disease.

Color Diagnostics, LLC DBA Color Health
Classification: Likely benign for Hereditary cancer-predisposing syndrome. Last evaluated: 2016-03-05. Review status: criteria provided, single submitter. Criteria: ACMG Guidelines, 2015. Collection method: clinical testing. Allele origin: germline.

Sharing Clinical Reports Project (SCRP)
Classification: Benign for Breast-ovarian cancer, familial 2. Last evaluated: 2012-05-01. Review status: no assertion criteria provided. Collection method: clinical testing. Allele origin: germline. Not counted in ClinVar's aggregate classification.

Breast Cancer Information Core (BIC) (BRCA2)
Classification: Uncertain significance for Breast-ovarian cancer, familial 2. Last evaluated: 2003-12-23. Review status: no assertion criteria provided. Collection method: clinical testing. Allele origin: germline. Affected: yes. Observed: 2 variant alleles. Not counted in ClinVar's aggregate classification.

Literature cited by the submitters: PubMed 31143303 (cited by 3 submitters); PubMed 37277882 (cited by Quest Diagnostics Nichols Institute San Juan Capistrano and Ambry Genetics); PubMed 33471991 (cited by Quest Diagnostics Nichols Institute San Juan Capistrano); PubMed 32467295 (cited by Quest Diagnostics Nichols Institute San Juan Capistrano); PubMed 23983145 (cited by 3 submitters); PubMed 22505045 (cited by 3 submitters); PubMed 15955690 (cited by 3 submitters); PubMed 18284688 (cited by 3 submitters).